The following is an entry in ClinVar:

ClinVar aggregate classification (germline): Pathogenic/Likely pathogenic. Review status: criteria provided, multiple submitters, no conflicts (2 of 4 stars). 13 submissions from 13 submitters: Pathogenic (3); Likely pathogenic (6). 4 of the submissions do not count toward it. Last evaluated 2025-08-23.

Conditions:
DYNC2H1-related disorder. Also called: DYNC2H1-related condition; DYNC2H1-related disorders. Identifiers: MedGen CN378770.
Jeune thoracic dystrophy. Also called: Short-rib thoracic dysplasia; Jeune syndrome; Infantile thoracic dystrophy; Thoracic pelvic phalangeal dystrophy; Jeune's syndrome; Chondroectodermal dysplasia-like syndrome. Identifiers: Orphanet 474, MedGen C0265275, MONDO:0018770.
Asphyxiating thoracic dystrophy 3. Also called: SHORT-RIB THORACIC DYSPLASIA 3 WITH OR WITHOUT POLYDACTYLY; POLYDACTYLY WITH NEONATAL CHONDRODYSTROPHY, TYPE I; SHORT-RIB THORACIC DYSPLASIA 3/6 WITH POLYDACTYLY, DIGENIC; Short rib polydactyly syndrome 2B; Saldino-Noonan Syndrome. Identifiers: Orphanet 474, Orphanet 93269, Orphanet 93270, Orphanet 93271, MedGen C0036069, MONDO:0013127, OMIM 613091.

Allele frequency attached by ClinVar (database versions not stated): gnomAD 0.00004 and 0.00003; TOPMed 0.00002.
gnomAD v4.1: 29 of 1,564,434 alleles (0.0019%); highest among the groups gnomAD compares: Middle Eastern, 0.017%; no homozygotes.

Submissions (13):

GeneDx
Classification: Likely pathogenic. Last evaluated: 2025-08-23. Review status: criteria provided, single submitter. Criteria: GeneDx Variant Classification Process June 2021. Collection method: clinical testing. Allele origin: germline. Affected: yes.
Comment: Not observed at significant frequency in large population cohorts (gnomAD); In silico analysis supports that this missense variant has a deleterious effect on protein structure/function; This variant is associated with the following publications: (PMID: 23339108, 34426522, 35783601, 34040173, 32752906, 40035361, 36550190, 29068549, 23456818)

3billion
Classification: Pathogenic for Asphyxiating thoracic dystrophy 3. Last evaluated: 2025-08-07. Review status: criteria provided, single submitter. Criteria: ACMG Guidelines, 2015. Collection method: clinical testing. Allele origin: germline. Affected: yes.
Comment: The variant is observed at an extremely low frequency in the gnomAD v4.1.0 dataset (total allele frequency: 0.002%). Predicted Consequence/Location: Missense variant In silico tool predictions suggest no damaging effect of the variant on gene or gene product [REVEL: 0.20 (<0.4); 3Cnet: 0.06 (<0.1, specificity 0.84 and negative predicitive value 0.97)]. The same nucleotide change resulting in the same amino acid change has been previously reported as pathogenic/likely pathogenic with strong evidence (ClinVar ID: VCV000446613 /PMID: 23339108). The variant has been reported to be in trans with a pathogenic variant as either compound heterozygous or homozygous in at least 2 similarly affected unrelated individuals (PMID: 23339108, 23456818, 32752906, 34040173). Therefore, this variant is classified as Pathogenic according to the recommendation of ACMG/AMP guideline.

Blueprint Genetics
Classification: Pathogenic for DYNC2H1-related disorders. Last evaluated: 2024-06-10. Review status: criteria provided, single submitter. Criteria: ACMG Guidelines, 2015. Collection method: clinical testing. Allele origin: germline. Affected: yes. Observed: 5 variant alleles.

Labcorp Genetics (formerly Invitae), Labcorp
Classification: Pathogenic for Jeune thoracic dystrophy. Last evaluated: 2023-10-26. Review status: criteria provided, single submitter. Criteria: Invitae Variant Classification Sherloc (09022015). Collection method: clinical testing. Allele origin: germline.
Comment: This sequence change replaces arginine, which is basic and polar, with tryptophan, which is neutral and slightly polar, at codon 2532 of the DYNC2H1 protein (p.Arg2532Trp). This variant is present in population databases (no rsID available, gnomAD 0.001%). This missense change has been observed in individuals with clinical features of asphyxiating thoracic dysplasia (PMID: 23339108, 23456818, 34040173). ClinVar contains an entry for this variant (Variation ID: 446613). Advanced modeling of protein sequence and biophysical properties (such as structural, functional, and spatial information, amino acid conservation, physicochemical variation, residue mobility, and thermodynamic stability) performed at Invitae indicates that this missense variant is expected to disrupt DYNC2H1 protein function with a positive predictive value of 95%. For these reasons, this variant has been classified as Pathogenic.

ARUP Laboratories, Molecular Genetics and Genomics, ARUP Laboratories
Classification: Likely pathogenic for Asphyxiating thoracic dystrophy 3. Last evaluated: 2023-09-05. Review status: criteria provided, single submitter. Criteria: ARUP Molecular Germline Variant Investigation Process 2024. Collection method: clinical testing. Allele origin: germline.
Comment: The DYNC2H1 c.7594C>T; p.Arg2532Trp variant (rs1350329646) is reported as homozygous and compound heterozygous in the literature in multiple individuals affected with asphyxiating thoracic dystrophy and short-rib thoracic dysplasia (Baujat 2013, Doornbos 2021, Jelin 2022, Schmidts 2013). This variant is also reported in ClinVar (Variation ID: 446613) and is absent from the Genome Aggregation Database, indicating it is not a common polymorphism. Computational analyses are uncertain whether this variant is neutral or deleterious (REVEL: 0.196). Based on available information, this variant is considered to be likely pathogenic. References: Baujat G et al. Asphyxiating thoracic dysplasia: clinical and molecular review of 39 families. J Med Genet. 2013 Feb;50(2):91-8. PMID: 23339108. Doornbos C et al. Cell-based assay for ciliopathy patients to improve accurate diagnosis using ALPACA. Eur J Hum Genet. 2021 Nov;29(11):1677-1689. PMID: 34040173. Jelin AC et al. Molecular testing strategies in the evaluation of fetal skeletal dysplasia. J Matern Fetal Neonatal Med. 2022 Jul;35(14):2788-2794. PMID: 32752906. Schmidts M et al. Exome sequencing identifies DYNC2H1 mutations as a common cause of asphyxiating thoracic dystrophy (Jeune syndrome) without major polydactyly, renal or retinal involvement. J Med Genet. 2013 May;50(5):309-23. PMID: 23456818.

Institute of Medical Genetics and Applied Genomics, University Hospital Tübingen
Classification: Likely pathogenic. Last evaluated: 2021-06-17. Review status: criteria provided, single submitter. Criteria: ACMG Guidelines, 2015. Collection method: clinical testing. Allele origin: germline. Inheritance: Autosomal recessive inheritance. Affected: yes.

Centre for Mendelian Genomics, University Medical Centre Ljubljana
Classification: Likely pathogenic for Asphyxiating thoracic dystrophy 3. Last evaluated: 2019-01-17. Review status: criteria provided, single submitter. Criteria: ACMG Guidelines, 2015. Collection method: clinical testing. Allele origin: unknown. Affected: yes.
Comment: This variant was classified as: Likely pathogenic. The following ACMG criteria were applied in classifying this variant: PM2,PP3,PS1.

Clinical Genetics Service, Universitary Hospital 12 de Octubre
Classification: Likely pathogenic for Asphyxiating thoracic dystrophy 3. Review status: criteria provided, single submitter. Criteria: ACMG Guidelines, 2015. Collection method: clinical testing. Allele origin: maternal. Affected: yes.

Juno Genomics, Hangzhou Juno Genomics, Inc
Classification: Likely pathogenic for Asphyxiating thoracic dystrophy 3. Review status: criteria provided, single submitter. Criteria: ACMG Guidelines, 2015. Collection method: clinical testing. Allele origin: germline.
Comment: Absent from controls (or at extremely low frequency if recessive) in Genome Aggregation Database.;Multiple lines of computational evidence suggest no impact on gene or gene product.;For recessive disorders, detected in trans with a pathogenic variant.;Patient's phenotype or family history is highly specific for a disease with a single genetic etiology.;Located in a mutational hot spot and/or critical and well-established functional domain without benign variation.

Dan Cohn Lab, University Of California Los Angeles
Classification: Pathogenic for Asphyxiating thoracic dystrophy. Last evaluated: 2017-06-01. Review status: no assertion criteria provided. Collection method: research. Allele origin: maternal. Affected: yes. Not counted in ClinVar's aggregate classification.

Joint Genome Diagnostic Labs from Nijmegen and Maastricht, Radboudumc and MUMC+
Classification: Likely pathogenic for Asphyxiating thoracic dystrophy 3. Review status: no assertion criteria provided. Collection method: research. Allele origin: inherited. Affected: yes. Not counted in ClinVar's aggregate classification.

University of Washington Center for Mendelian Genomics, University of Washington
Classification: Likely pathogenic for asphyxiating thoracic dystrophy. Review status: no assertion criteria provided. Collection method: research. Allele origin: inherited. Affected: yes. Not counted in ClinVar's aggregate classification.

MGZ Medical Genetics Center
Classification: Uncertain significance for Asphyxiating thoracic dystrophy 3. Last evaluated: 2021-06-29. Review status: flagged submission. Criteria: ACMG Guidelines, 2015. Collection method: clinical testing. Allele origin: germline. Affected: yes. Observed: 1 variant allele. Not counted in ClinVar's aggregate classification.
Comment: ACMG criteria applied: PS4_MOD, PM3, PM2_SUP
ClinVar note: Reason: Outlier claim with insufficient supporting evidence

Literature cited by the submitters: PubMed 32752906 (cited by 3billion); PubMed 34040173 (cited by 3billion and Labcorp Genetics (formerly Invitae), Labcorp); PubMed 23456818 (cited by 3billion and Labcorp Genetics (formerly Invitae), Labcorp); PubMed 23339108 (cited by 3billion and Labcorp Genetics (formerly Invitae), Labcorp); PubMed 29068549 (cited by Dan Cohn Lab, University Of California Los Angeles and University of Washington Center for Mendelian Genomics, University of Washington).

NM_001377.3(DYNC2H1):c.7594C>T (p.Arg2532Trp)

Gene: DYNC2H1 (dynein cytoplasmic 2 heavy chain 1; plus strand). Cytogenetic location: 11q22.3.
Variant type: single nucleotide variant.
Coding change: c.7594C>T on transcript NM_001377.3 (MANE Select); coding-DNA position 7594, C replaced by T.
Protein change: p.Arg2532Trp; replaces arginine 2532 with tryptophan.
Molecular consequence: missense variant.
Genome position (GRCh38, 1-based): chr11:103,192,150, C>T. VCF-style: chr11-103192150-C-T. GRCh37 (hg19) VCF-style: chr11-103062879-C-T.
Other names: c.7594C>T, p.Arg2532Trp (NM_001080463.2); short protein forms R2532W.
Identifiers: ClinVar variation 446613 (VCV000446613.29), dbSNP rs1350329646, ClinGen allele CA382254374.